The following is an entry in ClinVar:

ClinVar aggregate classification (germline): Benign/Likely benign. Review status: criteria provided, multiple submitters, no conflicts (2 of 4 stars). 4 submissions from 4 submitters: Benign (2); Likely benign (2). Last evaluated 2025-08-18.

Allele frequency attached by ClinVar (database versions not stated): 1000 Genomes Project 30x 0.00219; 1000 Genomes Project 0.00220; TOPMed 0.00314; gnomAD 0.00335 and 0.00352; ESP Exome Variant Server 0.00384; gnomAD exomes 0.00440 and 0.00498; ExAC 0.00459.
gnomAD v4.1: 7,787 of 1,609,716 alleles (0.48%); highest among the groups gnomAD compares: South Asian, 1.1%; 40 homozygotes.

Submissions (4):

Genomic Medicine Center of Excellence, King Faisal Specialist Hospital and Research Centre
Classification: Likely benign. Last evaluated: 2025-08-18. Review status: criteria provided, single submitter. Criteria: ACMG Guidelines, 2015. Collection method: clinical testing. Allele origin: germline.

CeGaT Center for Human Genetics Tuebingen
Classification: Likely benign. Last evaluated: 2023-04-01. Review status: criteria provided, single submitter. Criteria: CeGaT Center For Human Genetics Tuebingen Variant Classification Criteria Version 2. Collection method: clinical testing. Allele origin: germline. Affected: yes. Observed: 2 variant alleles.
Comment: MCF2L: BS2

Labcorp Genetics (formerly Invitae), Labcorp
Classification: Benign. Last evaluated: 2019-12-31. Review status: criteria provided, single submitter. Criteria: Invitae Variant Classification Sherloc (09022015). Collection method: clinical testing. Allele origin: germline.

Breakthrough Genomics
Classification: Benign. Review status: criteria provided, single submitter. Criteria: ACMG Guidelines, 2015. Collection method: not provided. Allele origin: germline. Inheritance: Unknown mechanism. Affected: yes.

NM_001112732.3(MCF2L):c.874G>A (p.Val292Met)

Gene: MCF2L (MCF.2 cell line derived transforming sequence like; plus strand). Cytogenetic location: 13q34.
Variant type: single nucleotide variant.
Coding change: c.874G>A on transcript NM_001112732.3 (MANE Select); coding-DNA position 874, G replaced by A.
Protein change: p.Val292Met; replaces valine 292 with methionine.
Molecular consequence: missense variant.
Genome position (GRCh38, 1-based): chr13:113,066,163, G>A. VCF-style: chr13-113066163-G-A. GRCh37 (hg19) VCF-style: chr13-113720477-G-A.
Other names: c.868G>A, p.Val290Met (NM_001320815.2, NM_001320817.2, NM_024979.5); c.886G>A, p.Val296Met (NM_001320816.2); c.787G>A, p.Val263Met (NM_001366644.2); c.760G>A, p.Val254Met (NM_001366645.2, NM_001366646.2); short protein forms V290M, V296M, V263M, V254M, V292M.
Identifiers: ClinVar variation 791502 (VCV000791502.30), dbSNP rs143965865, ClinGen allele CA7058595.
Genomic context (GRCh38, chr13:113,066,163, plus strand): 5'-CTGCAGGCTGAGGGCTCAGAGCCCAGTGTGAACCAGGACCAGCTTGACAACCAGGCCACC[G>A]TGCAGAGGTGAGGCCCGGCTGCCTTCCTGCCCTCATCCTGTCCCAGTCCATGGCAGGATC-3'
Protein context (NP_001106203.2, residues 282-302): NQDQLDNQAT[Val292Met]QRLLAQLNET